The following is an entry in ClinVar:

NM_002381.5(MATN3):c.253G>A (p.Val85Met)

Gene: MATN3 (matrilin 3; minus strand). Cytogenetic location: 2p24.1.
Variant type: single nucleotide variant.
Coding change: c.253G>A on transcript NM_002381.5 (MANE Select); coding-DNA position 253, G replaced by A.
Protein change: p.Val85Met; replaces valine 85 with methionine.
Molecular consequence: missense variant.
Genome position (GRCh38, 1-based): chr2:20,006,281, C>T on the plus strand (G>A on the coding strand, the complement: MATN3 is on the minus strand). VCF-style: chr2-20006281-C-T. GRCh37 (hg19) VCF-style: chr2-20206042-C-T.
Other names: short protein forms V85M.
Identifiers: ClinVar variation 2016769 (VCV002016769.4), dbSNP rs1673106409, ClinGen allele CA345951475.

ClinVar aggregate classification (germline): Uncertain significance (1 of 4 stars; one submission).

Allele frequency attached by ClinVar (database versions not stated): TOPMed below 0.00001.

Submission:

Labcorp Genetics (formerly Invitae), Labcorp
Classification: Uncertain significance. Last evaluated: 2024-10-29. Review status: criteria provided, single submitter. Criteria: Invitae Variant Classification Sherloc (09022015). Collection method: clinical testing. Allele origin: germline.
Comment: This sequence change replaces valine, which is neutral and non-polar, with methionine, which is neutral and non-polar, at codon 85 of the MATN3 protein (p.Val85Met). This variant is not present in population databases (gnomAD no frequency). This variant has not been reported in the literature in individuals affected with MATN3-related conditions. ClinVar contains an entry for this variant (Variation ID: 2016769). Invitae Evidence Modeling of protein sequence and biophysical properties (such as structural, functional, and spatial information, amino acid conservation, physicochemical variation, residue mobility, and thermodynamic stability) indicates that this missense variant is not expected to disrupt MATN3 protein function with a negative predictive value of 80%. In summary, the available evidence is currently insufficient to determine the role of this variant in disease. Therefore, it has been classified as a Variant of Uncertain Significance.